The following is an entry in ClinVar:

NM_000094.4(COL7A1):c.8624C>G (p.Pro2875Arg)

Gene: COL7A1 (collagen type VII alpha 1 chain; minus strand). Cytogenetic location: 3p21.31.
Variant type: single nucleotide variant.
Coding change: c.8624C>G on transcript NM_000094.4 (MANE Select); coding-DNA position 8624, C replaced by G.
Protein change: p.Pro2875Arg; replaces proline 2875 with arginine.
Molecular consequence: missense variant.
Genome position (GRCh38, 1-based): chr3:48,564,977, G>C on the plus strand (C>G on the coding strand, the complement: COL7A1 is on the minus strand). VCF-style: chr3-48564977-G-C. GRCh37 (hg19) VCF-style: chr3-48602410-G-C.
Other names: short protein forms P2875R.
Identifiers: ClinVar variation 4781163 (VCV004781163.1).
Genomic context (GRCh38, chr3:48,564,977, plus strand): 5'-CGATGGTACCAGCGCAGGGTGTAGGCAGTGCAGGAGCCCTCATCCAGTGGCAGGGAACAG[G>C]GGTCTGGGCCAATGGGGTCAAGTCAGCAGGGTTTGTGGGAATCAGAGAGGGTTGAAAGGT-3'
Protein context (NP_000085.1, residues 2865-2885): DPEAPWDSDD[Pro2875Arg]CSLPLDEGSC

ClinVar aggregate classification (germline): Uncertain significance (1 of 4 stars; one submission).

Submission:

Labcorp Genetics (formerly Invitae), Labcorp
Classification: Uncertain significance. Last evaluated: 2025-04-13. Review status: criteria provided, single submitter. Criteria: Invitae Variant Classification Sherloc (09022015). Collection method: clinical testing. Allele origin: germline.
Comment: This sequence change replaces proline, which is neutral and non-polar, with arginine, which is basic and polar, at codon 2875 of the COL7A1 protein (p.Pro2875Arg). This variant is not present in population databases (gnomAD no frequency). This variant has not been reported in the literature in individuals affected with COL7A1-related conditions. Invitae Evidence Modeling of protein sequence and biophysical properties (such as structural, functional, and spatial information, amino acid conservation, physicochemical variation, residue mobility, and thermodynamic stability) indicates that this missense variant is not expected to disrupt COL7A1 protein function with a negative predictive value of 95%. In summary, the available evidence is currently insufficient to determine the role of this variant in disease. Therefore, it has been classified as a Variant of Uncertain Significance.